The following is an entry in ClinVar:

ClinVar aggregate classification (germline): Uncertain significance (1 of 4 stars; one submission).

Submission:

Labcorp Genetics (formerly Invitae), Labcorp
Classification: Uncertain significance. Last evaluated: 2026-01-05. Review status: criteria provided, single submitter. Criteria: Invitae Variant Classification Sherloc (09022015). Collection method: clinical testing. Allele origin: germline.
Comment: This sequence change replaces alanine, which is neutral and non-polar, with serine, which is neutral and polar, at codon 855 of the NPAT protein (p.Ala855Ser). This variant is not present in population databases (gnomAD no frequency). This variant has not been reported in the literature in individuals affected with NPAT-related conditions. ClinVar contains an entry for this variant (Variation ID: 2695226). An algorithm developed to predict the effect of missense changes on protein structure and function (PolyPhen-2) suggests that this variant is likely to be tolerated. In summary, the available evidence is currently insufficient to determine the role of this variant in disease. Therefore, it has been classified as a Variant of Uncertain Significance.

NM_002519.3(NPAT):c.2563G>T (p.Ala855Ser)

Gene: NPAT (nuclear protein, coactivator of histone transcription; minus strand). Cytogenetic location: 11q22.3.
Variant type: single nucleotide variant.
Coding change: c.2563G>T on transcript NM_002519.3 (MANE Select); coding-DNA position 2563, G replaced by T.
Protein change: p.Ala855Ser; replaces alanine 855 with serine.
Molecular consequence: missense variant.
Genome position (GRCh38, 1-based): chr11:108,172,421, C>A on the plus strand (G>T on the coding strand, the complement: NPAT is on the minus strand). VCF-style: chr11-108172421-C-A. GRCh37 (hg19) VCF-style: chr11-108043148-C-A.
Other names: c.2563G>T, p.Ala855Ser (NM_001321307.1); short protein forms A855S.
Identifiers: ClinVar variation 2695226 (VCV002695226.3), dbSNP rs1156787400, ClinGen allele CA382512708.